The following is an entry in ClinVar:

ClinVar aggregate classification (germline): Likely pathogenic (1 of 4 stars; one submission).

Allele frequency attached by ClinVar (database versions not stated): gnomAD exomes below 0.00001.
gnomAD v4.1: 1 of 1,614,218 alleles (0.000062%); highest among the groups gnomAD compares: East Asian, 0.0022%; no homozygotes.

Submission:

Labcorp Genetics (formerly Invitae), Labcorp
Classification: Likely pathogenic. Last evaluated: 2024-01-05. Review status: criteria provided, single submitter. Criteria: Invitae Variant Classification Sherloc (09022015). Collection method: clinical testing. Allele origin: germline.
Comment: This sequence change replaces glycine, which is neutral and non-polar, with serine, which is neutral and polar, at codon 106 of the ADGRG1 protein (p.Gly106Ser). This variant is not present in population databases (gnomAD no frequency). This missense change has been observed in individual(s) with clinical features of ADGRG1-related conditions (Invitae). In at least one individual the data is consistent with being in trans (on the opposite chromosome) from a pathogenic variant. ClinVar contains an entry for this variant (Variation ID: 1479682). Advanced modeling of protein sequence and biophysical properties (such as structural, functional, and spatial information, amino acid conservation, physicochemical variation, residue mobility, and thermodynamic stability) has been performed at Invitae for this missense variant, however the output from this modeling did not meet the statistical confidence thresholds required to predict the impact of this variant on ADGRG1 protein function. In summary, the currently available evidence indicates that the variant is pathogenic, but additional data are needed to prove that conclusively. Therefore, this variant has been classified as Likely Pathogenic.

NM_201525.4(ADGRG1):c.316G>A (p.Gly106Ser)

Gene: ADGRG1 (adhesion G protein-coupled receptor G1; plus strand). Cytogenetic location: 16q21.
Variant type: single nucleotide variant.
Coding change: c.316G>A on transcript NM_201525.4 (MANE Select); coding-DNA position 316, G replaced by A.
Protein change: p.Gly106Ser; replaces glycine 106 with serine.
Molecular consequence: missense variant. On other transcripts: 5 prime UTR variant (5), intron variant (1).
Genome position (GRCh38, 1-based): chr16:57,651,451, G>A. VCF-style: chr16-57651451-G-A. GRCh37 (hg19) VCF-style: chr16-57685363-G-A.
Other names: c.316G>A, p.Gly106Ser (NM_001145770.3, NM_001145771.3, NM_001145772.3 and 16 more transcripts); c.331G>A, p.Gly111Ser (NM_001145773.3, NM_001370433.1); c.-210G>A (NM_001290143.2, NM_001290144.2, NM_001370451.1 and 2 more transcripts); c.160G>A, p.Gly54Ser (NM_001370442.1); c.110+206G>A (NM_001290142.2); short protein forms G106S, G54S, G111S.
Identifiers: ClinVar variation 1479682 (VCV001479682.8), dbSNP rs1597462672, ClinGen allele CA396043152.